The following is an entry in ClinVar:

ClinVar aggregate classification (germline): Conflicting classifications of pathogenicity. Review status: criteria provided, conflicting classifications (1 of 4 stars). 6 submissions from 6 submitters: Pathogenic (2); Likely pathogenic (2); Uncertain significance (1); Likely benign (1). Last evaluated 2025-11-03.

Conditions:
Hereditary cancer-predisposing syndrome. Also called: Neoplastic Syndromes, Hereditary; Hereditary Cancer Syndrome; Hereditary neoplastic syndrome; Tumor predisposition. Identifiers: Orphanet 140162, MedGen C0027672, MeSH D009386, MONDO:0015356.
Familial cancer of breast. Also called: hereditary breast carcinoma; BREAST CANCER, FAMILIAL; Hereditary breast cancer. Identifiers: Orphanet 227535, MedGen C0346153, MONDO:0016419, OMIM 114480. Disease mechanism: loss of function.

gnomAD v4.1: 1 of 1,586,998 alleles (0.000063%); highest among the groups gnomAD compares: Non-Finnish European, 0.000086%; no homozygotes.

Submissions (6):

Labcorp Genetics (formerly Invitae), Labcorp
Classification: Pathogenic for Familial cancer of breast. Last evaluated: 2025-11-03. Review status: criteria provided, single submitter. Criteria: Invitae Variant Classification Sherloc (09022015). Collection method: clinical testing. Allele origin: germline.
Comment: This sequence change affects an acceptor splice site in intron 3 of the PALB2 gene. RNA analysis indicates that disruption of this splice site induces altered splicing and may result in an absent or altered protein product. This variant is not present in population databases (gnomAD no frequency). This variant has not been reported in the literature in individuals affected with PALB2-related conditions. ClinVar contains an entry for this variant (Variation ID: 640795). Studies have shown that disruption of this splice site alters mRNA splicing and is expected to lead to the loss of protein expression (PMID: 30890586; internal data). For these reasons, this variant has been classified as Pathogenic.

Ambry Genetics
Classification: Uncertain significance for Hereditary cancer-predisposing syndrome. Last evaluated: 2025-02-04. Review status: criteria provided, single submitter. Criteria: Ambry Variant Classification Scheme 2023. Collection method: clinical testing. Allele origin: germline.
Comment: The c.212-2A>C intronic variant results from an A to C substitution two nucleotides upstream from coding exon 4 in the PALB2 gene. This nucleotide position is highly conserved in available vertebrate species. In silico splice site analysis predicts that this alteration will weaken the native splice acceptor site. The resulting transcript is predicted to be in-frame and is not expected to trigger nonsense-mediated mRNAdecay; however, direct evidence is insufficient at this time (Ambry internal data). Since supporting evidence is limited at this time, the clinical significance of this alteration remains unclear.

Myriad Genetics, Inc.
Classification: Likely benign for Familial cancer of breast. Last evaluated: 2025-01-10. Review status: criteria provided, single submitter. Criteria: Myriad Autosomal Dominant, Autosomal Recessive and X-Linked Classification Criteria (2023). Collection method: clinical testing. Allele origin: unknown.
Comment: This is a canonical splice variant classified as likely benign. The classification is based on an internal history weighting algorithm that has been validated and shown to have greater than 99.5% positive and negative predictive values [PMID: 25085752]. The algorithm shows this variant is not strongly associated with more severe personal and family histories of cancer which would be expected if this variant were disease causing. Curve available upon request.

Baylor Genetics
Classification: Likely pathogenic for Familial cancer of breast. Last evaluated: 2023-10-31. Review status: criteria provided, single submitter. Criteria: ACMG Guidelines, 2015. Collection method: clinical testing. Allele origin: unknown.

Institute of Medical Genetics and Applied Genomics, University Hospital Tübingen
Classification: Likely pathogenic. Last evaluated: 2020-10-23. Review status: criteria provided, single submitter. Criteria: ACMG Guidelines, 2015. Collection method: clinical testing. Allele origin: germline. Inheritance: Autosomal dominant inheritance. Affected: yes.

Institute of Human Genetics, University of Leipzig Medical Center
Classification: Pathogenic for Familial cancer of breast. Last evaluated: 2019-01-01. Review status: criteria provided, single submitter. Criteria: ACMG Guidelines, 2015. Collection method: clinical testing. Allele origin: unknown. Affected: yes.
Comment: This variant was identified as compound heterozygous.

Literature cited by the submitters: PubMed 30890586 (cited by Labcorp Genetics (formerly Invitae), Labcorp); PubMed 25085752 (cited by Myriad Genetics, Inc.).

NM_024675.4(PALB2):c.212-2A>C

Gene: PALB2 (partner and localizer of BRCA2; minus strand). Cytogenetic location: 16p12.2.
Variant type: single nucleotide variant.
Coding change: c.212-2A>C on transcript NM_024675.4 (MANE Select); the canonical splice acceptor site of the intron before coding-DNA position 212, A replaced by C.
Molecular consequence: splice acceptor variant. On other transcripts: intron variant (3).
Genome position (GRCh38, 1-based): chr16:23,636,336, T>G on the plus strand (A>C on the coding strand, the complement: PALB2 is on the minus strand). VCF-style: chr16-23636336-T-G. GRCh37 (hg19) VCF-style: chr16-23647657-T-G.
Other names: c.-674-2A>C (NM_001407308.1, NM_001407306.1, NM_001407307.1 and 5 more transcripts); c.48+4774A>C (NM_001407314.1); c.-105+4774A>C (NM_001407313.1, NM_001407312.1); c.152-2A>C (NM_001407296.1); c.212-2A>C (NM_001407297.1, NM_001407302.1, NM_001407298.1 and 3 more transcripts).
Identifiers: ClinVar variation 640795 (VCV000640795.17), dbSNP rs730881879, ClinGen allele CA395138999.